The following is an entry in ClinVar:

NM_001291867.2(NHS):c.4540A>G (p.Asn1514Asp)

Gene: NHS (NHS actin remodeling regulator; plus strand). Cytogenetic location: Xp22.13.
Variant type: single nucleotide variant.
Coding change: c.4540A>G on transcript NM_001291867.2 (MANE Select); coding-DNA position 4540, A replaced by G.
Protein change: p.Asn1514Asp; replaces asparagine 1514 with aspartic acid.
Molecular consequence: missense variant.
Genome position (GRCh38, 1-based): chrX:17,732,048, A>G. VCF-style: chrX-17732048-A-G. GRCh37 (hg19) VCF-style: chrX-17750168-A-G.
Other names: c.4009A>G, p.Asn1337Asp (NM_001136024.4); c.3946A>G, p.Asn1316Asp (NM_001291868.2); c.4477A>G, p.Asn1493Asp (NM_198270.4); short protein forms N1337D, N1493D, N1514D, N1316D.
Identifiers: ClinVar variation 1946669 (VCV001946669.5), dbSNP rs2519949466, ClinGen allele CA412370726.
Genomic context (GRCh38, chrX:17,732,048, plus strand): 5'-CCCAACAGCCAGAGGTCTCCTGGTCTCATATACCGAAATGCCAAAAAGTCCAACACATCC[A>G]ATGAAGAGTTTAAGCTGTTACTGCTCAAGAAAGGCAGTCGCTCAGATTCTAGTTACCGCA-3'
Protein context (NP_001278796.1, residues 1504-1524): YRNAKKSNTS[Asn1514Asp]EEFKLLLLKK

ClinVar aggregate classification (germline): Uncertain significance (1 of 4 stars; one submission).

Conditions:
Nance-Horan syndrome (NHS). Identifiers: Orphanet 627, MedGen C0796085, MONDO:0010545, OMIM 302350.

Allele frequency attached by ClinVar (database versions not stated): gnomAD exomes 0.00002.
gnomAD v4.1: 22 of 1,211,101 alleles (0.0018%); highest among the groups gnomAD compares: Non-Finnish European, 0.0025%; no homozygotes.

Submission:

Labcorp Genetics (formerly Invitae), Labcorp
Classification: Uncertain significance for Nance-Horan syndrome. Last evaluated: 2022-07-24. Review status: criteria provided, single submitter. Criteria: Invitae Variant Classification Sherloc (09022015). Collection method: clinical testing. Allele origin: germline.
Comment: This sequence change replaces asparagine, which is neutral and polar, with aspartic acid, which is acidic and polar, at codon 1493 of the NHS protein (p.Asn1493Asp). This variant is not present in population databases (gnomAD no frequency). In summary, the available evidence is currently insufficient to determine the role of this variant in disease. Therefore, it has been classified as a Variant of Uncertain Significance. Algorithms developed to predict the effect of missense changes on protein structure and function are either unavailable or do not agree on the potential impact of this missense change (SIFT: "Deleterious"; PolyPhen-2: "Possibly Damaging"; Align-GVGD: "Class C0"). This variant has not been reported in the literature in individuals affected with NHS-related conditions.